The following is an entry in ClinVar:

NM_206943.4(LTBP1):c.1034-12C>G

Gene: LTBP1 (latent transforming growth factor beta binding protein 1; plus strand). Cytogenetic location: 2p22.3.
Variant type: single nucleotide variant.
Coding change: c.1034-12C>G on transcript NM_206943.4 (MANE Select); 12 bases into the intron before coding-DNA position 1034, C replaced by G.
Molecular consequence: intron variant. On other transcripts: missense variant (24).
Genome position (GRCh38, 1-based): chr2:33,134,781, C>G. VCF-style: chr2-33134781-C-G. GRCh37 (hg19) VCF-style: chr2-33359848-C-G.
Other names: NC_000002.11:g.33359848C>G; c.44C>G, p.Pro15Arg (NM_001394907.1, NM_001394908.1, NM_001394909.1 and 21 more transcripts); c.1034-12C>G (NM_001394905.1); c.-188-12C>G (NM_001394916.1); short protein forms P15R.
Identifiers: ClinVar variation 4513411 (VCV004513411.5).

ClinVar aggregate classification (germline): Likely benign (1 of 4 stars; one submission).

gnomAD v4.1: 1,215 of 1,614,052 alleles (0.075%); highest among the groups gnomAD compares: Non-Finnish European, 0.072%; 2 homozygotes.

Submissions (3):

CeGaT Center for Human Genetics Tuebingen
Classification: Likely benign. Last evaluated: 2026-05-01. Review status: criteria provided, single submitter. Criteria: CeGaT Center For Human Genetics Tuebingen Variant Classification Criteria Version 2. Collection method: clinical testing. Allele origin: germline. Affected: yes. Observed: 2 variant alleles.
Comment: LTBP1: BP4, BS1

Dr. Peter K. Rogan Lab, Western University
No classification provided (evidence only). Condition: Melanoma. Review status: no classification provided. Collection method: in vitro. Allele origin: not applicable. Functional consequence: retained intron. Not counted in ClinVar's aggregate classification.

Dr. Peter K. Rogan Lab, Western University
No classification provided (evidence only). Condition: Lymphoma. Review status: no classification provided. Collection method: in vitro. Allele origin: not applicable. Functional consequence: retained intron. Not counted in ClinVar's aggregate classification.